The following is an entry in ClinVar:

NM_015909.4(NBAS):c.3360+4A>T

Gene: NBAS (NBAS subunit of NRZ tethering complex; minus strand). Cytogenetic location: 2p24.3.
Variant type: single nucleotide variant.
Coding change: c.3360+4A>T on transcript NM_015909.4 (MANE Select); 4 bases into the intron after coding-DNA position 3360, A replaced by T.
Molecular consequence: intron variant.
Genome position (GRCh38, 1-based): chr2:15,383,211, T>A on the plus strand (A>T on the coding strand, the complement: NBAS is on the minus strand). VCF-style: chr2-15383211-T-A. GRCh37 (hg19) VCF-style: chr2-15523335-T-A.
Identifiers: ClinVar variation 1435395 (VCV001435395.3), dbSNP rs1446383420, ClinGen allele CA759046473.

ClinVar aggregate classification (germline): Uncertain significance (1 of 4 stars; one submission).

Allele frequency attached by ClinVar (database versions not stated): TOPMed 0.00001; gnomAD 0.00001.
gnomAD v4.1: 2 of 1,610,766 alleles (0.00012%); highest among the groups gnomAD compares: East Asian, 0.0022%; no homozygotes.

Submission:

Labcorp Genetics (formerly Invitae), Labcorp
Classification: Uncertain significance. Last evaluated: 2022-08-09. Review status: criteria provided, single submitter. Criteria: Invitae Variant Classification Sherloc (09022015). Collection method: clinical testing. Allele origin: germline.
Comment: This sequence change falls in intron 29 of the NBAS gene. It does not directly change the encoded amino acid sequence of the NBAS protein. It affects a nucleotide within the consensus splice site. This variant is not present in population databases (gnomAD no frequency). This variant has not been reported in the literature in individuals affected with NBAS-related conditions. ClinVar contains an entry for this variant (Variation ID: 1435395). Variants that disrupt the consensus splice site are a relatively common cause of aberrant splicing (PMID: 17576681, 9536098). Algorithms developed to predict the effect of sequence changes on RNA splicing suggest that this variant may disrupt the consensus splice site. In summary, the available evidence is currently insufficient to determine the role of this variant in disease. Therefore, it has been classified as a Variant of Uncertain Significance.

Literature cited by the submitters: PubMed 17576681; PubMed 9536098.